The following is an entry in ClinVar:

NM_000059.4(BRCA2):c.6932_6933delinsG (p.Pro2311fs)

Gene: BRCA2 (BRCA2 DNA repair associated; plus strand). Cytogenetic location: 13q13.1.
Variant type: Indel.
Coding change: c.6932_6933delinsG on transcript NM_000059.4 (MANE Select); coding-DNA positions 6932 to 6933, CA replaced by G.
Protein change: p.Pro2311fs; shifts the reading frame from proline 2311.
Molecular consequence: frameshift variant. On other transcripts: non-coding transcript variant (1), intron variant (1).
Genome position (GRCh38, 1-based): chr13:32,344,648-32,344,649, CA replaced by G. VCF-style: chr13-32344648-CA-G. GRCh37 (hg19) VCF-style: chr13-32918785-CA-G.
Other names: c.6932_6933delinsG, p.Pro2311fs (NM_001406720.1, NM_001432077.1); c.2000_2001delinsG, p.Pro667fs (NM_001406721.1); c.515_516delinsG, p.Pro172fs (NM_001406722.1); c.6842-2179_6842-2178delinsG (NM_001406719.1); short protein forms P172fs, P2311fs, P667fs.
Identifiers: ClinVar variation 4758009 (VCV004758009.1).

ClinVar aggregate classification (germline): Likely pathogenic (1 of 4 stars; one submission).

Conditions:
Hereditary cancer-predisposing syndrome. Also called: Tumor predisposition; Hereditary Cancer Syndrome; Neoplastic Syndromes, Hereditary; Hereditary neoplastic syndrome. Identifiers: Orphanet 140162, MedGen C0027672, MeSH D009386, MONDO:0015356.

Submission:

Color Diagnostics, LLC DBA Color Health
Classification: Likely pathogenic for Hereditary cancer-predisposing syndrome. Last evaluated: 2025-09-03. Review status: criteria provided, single submitter. Criteria: ACMG Guidelines, 2015. Collection method: clinical testing. Allele origin: germline.
Comment: This variant deletes 3 nucleotides in exon 12 of the BRCA2 gene, creating a frameshift and premature translation stop signal. This variant is expected to result in an absent or non-functional protein product. However, a naturally occurring BRCA2 transcript has been detected at low levels in healthy individuals, and it is suspected to retain some BRCA2 functional activity (PMID: 19795481, 32046981). To our knowledge, this variant has not been reported in individuals affected with BRCA2-related disorders in the literature. Frameshift and nonsense variants in exons 12 have conflicting reports between uncertain significance to disease-causing in ClinVar, including one nonsense variant, c.6859A>T (p.Arg2287Ter), that has been reported as disease-causing by the BRCA1/2 Variant Curation Expert Panel (ClinVar accession: SCV006082440.1). The deleterious impact of this variant could be attenuated to some degree by the alternative transcript lacking exon 12, and the penetrance of this frameshift variant may be reduced compared to a canonical loss-of-function variant in BRCA2. This variant has not been identified in the general population by the Genome Aggregation Database (gnomAD). Loss of BRCA2 function is a known mechanism of disease. Based on the available evidence, this variant is classified as Likely Pathogenic.

Literature cited by the submitters: PubMed 19795481; PubMed 32046981.